The following is an entry in ClinVar:

ClinVar aggregate classification (germline): Likely benign (1 of 4 stars; one submission).

Conditions:
Familial cancer of breast. Also called: BREAST CANCER, FAMILIAL; Hereditary breast cancer; hereditary breast carcinoma. Identifiers: Orphanet 227535, MedGen C0346153, MONDO:0016419, OMIM 114480. Disease mechanism: loss of function.

gnomAD v4.1: 1 of 1,612,034 alleles (0.000062%); highest among the groups gnomAD compares: Non-Finnish European, 0.000085%; no homozygotes.

Submission:

Myriad Genetics, Inc.
Classification: Likely benign for Familial cancer of breast. Last evaluated: 2024-05-07. Review status: criteria provided, single submitter. Criteria: Myriad Autosomal Dominant, Autosomal Recessive and X-Linked Classification Criteria (2023). Collection method: clinical testing. Allele origin: unknown.
Comment: This variant is considered likely benign. This variant is intronic and is not expected to impact mRNA splicing.

NM_000051.4(ATM):c.2124+7T>C

Gene: ATM (ATM serine/threonine kinase; plus strand). Cytogenetic location: 11q22.3.
Variant type: single nucleotide variant.
Coding change: c.2124+7T>C on transcript NM_000051.4 (MANE Select); 7 bases into the intron after coding-DNA position 2124, T replaced by C.
Molecular consequence: intron variant.
Genome position (GRCh38, 1-based): chr11:108,254,046, T>C. VCF-style: chr11-108254046-T-C. GRCh37 (hg19) VCF-style: chr11-108124773-T-C.
Other names: c.2124+7T>C (NM_001351834.2).
Identifiers: ClinVar variation 3253761 (VCV003253761.1), dbSNP rs1402323846.
Genomic context (GRCh38, chr11:108,254,046, plus strand): 5'-GATCGCTGTCTTCTGGGATTATCAGAACAGCTTCTGAATAATTACTCATCTGAGGTGAGA[T>C]TTTTTAAAAAAAGAACTAAGCTTATATATGATTCAACTTTGGTAAACTGTTAGGAAGGAG-3'